The following is an entry in ClinVar:

NM_001377265.1(MAPT):c.2313C>T (p.Arg771=)

Gene: MAPT (microtubule associated protein tau). Cytogenetic location: 17q21.31.
Variant type: single nucleotide variant.
Coding change: c.2313C>T on transcript NM_001377265.1 (MANE Select); coding-DNA position 2313, C replaced by T.
Protein change: p.Arg771=; no amino-acid change (arginine 771 retained).
Molecular consequence: synonymous variant. On other transcripts: non-coding transcript variant (1), intron variant (1).
Genome position (GRCh38, 1-based): chr17:46,023,982, C>T. VCF-style: chr17-46023982-C-T. GRCh37 (hg19) VCF-style: chr17-44101348-C-T.
Other names: c.2088C>T, p.Arg696= (NM_016835.5); c.870C>T, p.Arg290= (NM_016841.5, NM_001377268.1); c.772-1135C>T (NM_001377267.1); c.2142C>T, p.Arg714= (NM_001123066.4); c.1050C>T, p.Arg350= (NM_001123067.4); c.957C>T, p.Arg319= (NM_001203251.2); c.1044C>T, p.Arg348= (NM_001203252.2); c.2022C>T, p.Arg674= (NM_001377266.1); and 2 more.
Identifiers: ClinVar variation 577259 (VCV000577259.36), dbSNP rs373462041, ClinGen allele CA8618248.

ClinVar aggregate classification (germline): Likely benign. Review status: criteria provided, multiple submitters, no conflicts (2 of 4 stars). 2 submissions from 2 submitters: Likely benign (2). Last evaluated 2023-09-01.

Conditions:
Frontotemporal dementia (FTD1). Also called: Frontotemporal Dementia with Parkinsonism-17 (FTDP-17); Frontotemporal lobe dementia (FLDEM); MULTIPLE SYSTEM TAUOPATHY WITH PRESENILE DEMENTIA; WILHELMSEN-LYNCH DISEASE; FRONTOTEMPORAL DEMENTIA WITH PARKINSONISM; FRONTOTEMPORAL LOBE DEMENTIA. Identifiers: Orphanet 282, MedGen C0338451, MONDO:0017276, OMIM 600274, HP:0002145.

Allele frequency attached by ClinVar (database versions not stated): gnomAD 0.00001; TOPMed 0.00002; gnomAD exomes 0.00003; ExAC 0.00005; ESP Exome Variant Server 0.00008.
gnomAD v4.1: 62 of 1,614,004 alleles (0.0038%); highest among the groups gnomAD compares: Non-Finnish European, 0.0047%; no homozygotes.

Submissions (2):

CeGaT Center for Human Genetics Tuebingen
Classification: Likely benign. Last evaluated: 2023-09-01. Review status: criteria provided, single submitter. Criteria: CeGaT Center For Human Genetics Tuebingen Variant Classification Criteria Version 2. Collection method: clinical testing. Allele origin: germline. Affected: yes. Observed: 1 variant allele.
Comment: MAPT: BP4, BP7

Labcorp Genetics (formerly Invitae), Labcorp
Classification: Likely benign for Frontotemporal dementia. Last evaluated: 2023-08-17. Review status: criteria provided, single submitter. Criteria: Invitae Variant Classification Sherloc (09022015). Collection method: clinical testing. Allele origin: germline.